The following is an entry in ClinVar:

NM_207122.2(EXT2):c.1877G>A (p.Cys626Tyr)

Gene: EXT2 (exostosin glycosyltransferase 2; plus strand). Cytogenetic location: 11p11.2.
Variant type: single nucleotide variant.
Coding change: c.1877G>A on transcript NM_207122.2 (MANE Select); coding-DNA position 1877, G replaced by A.
Protein change: p.Cys626Tyr; replaces cysteine 626 with tyrosine.
Molecular consequence: missense variant.
Genome position (GRCh38, 1-based): chr11:44,234,185, G>A. VCF-style: chr11-44234185-G-A. GRCh37 (hg19) VCF-style: chr11-44255735-G-A.
Other names: c.1976G>A, p.Cys659Tyr (NM_000401.3); c.1907G>A, p.Cys636Tyr (NM_001178083.3); c.1877G>A, p.Cys626Tyr (NM_001389628.1, NM_001389630.1); short protein forms C659Y, C636Y, C626Y.
Identifiers: ClinVar variation 3700325 (VCV003700325.2).

ClinVar aggregate classification (germline): Uncertain significance (1 of 4 stars; one submission).

Conditions:
Exostoses, multiple, type 2 (EXT2). Also called: Hereditary Multiple Osteochondromatosis, Type II; EXOSTOSES, MULTIPLE, TYPE II. Identifiers: Orphanet 321, MedGen C1851413, MONDO:0007586, OMIM 133701.

Submission:

Labcorp Genetics (formerly Invitae), Labcorp
Classification: Uncertain significance for Exostoses, multiple, type 2. Last evaluated: 2024-03-16. Review status: criteria provided, single submitter. Criteria: Invitae Variant Classification Sherloc (09022015). Collection method: clinical testing. Allele origin: germline.
Comment: This sequence change replaces cysteine, which is neutral and slightly polar, with tyrosine, which is neutral and polar, at codon 626 of the EXT2 protein (p.Cys626Tyr). This variant is not present in population databases (gnomAD no frequency). This variant has not been reported in the literature in individuals affected with EXT2-related conditions. Advanced modeling of protein sequence and biophysical properties (such as structural, functional, and spatial information, amino acid conservation, physicochemical variation, residue mobility, and thermodynamic stability) performed at Invitae indicates that this missense variant is expected to disrupt EXT2 protein function with a positive predictive value of 80%. In summary, the available evidence is currently insufficient to determine the role of this variant in disease. Therefore, it has been classified as a Variant of Uncertain Significance.